The following is an entry in ClinVar:

ClinVar aggregate classification (germline): Uncertain significance (1 of 4 stars; one submission).

Conditions:
Hereditary hemorrhagic telangiectasia (HHT). Also called: ORW DISEASE; Osler Weber Rendu syndrome; OSLER-RENDU-WEBER DISEASE; Osler hemorrhagic telangiectasia syndrome. Identifiers: Orphanet 774, MedGen C0039445, MONDO:0019180. Disease mechanism: loss of function.

Submission:

Labcorp Genetics (formerly Invitae), Labcorp
Classification: Uncertain significance for Hereditary hemorrhagic telangiectasia. Last evaluated: 2024-11-05. Review status: criteria provided, single submitter. Criteria: Invitae Variant Classification Sherloc (09022015). Collection method: clinical testing. Allele origin: germline.
Comment: This variant occurs in a non-coding region of the ENG gene. It does not change the encoded amino acid sequence of the ENG protein. This variant is not present in population databases (gnomAD no frequency). This variant has not been reported in the literature in individuals affected with ENG-related conditions. In summary, the available evidence is currently insufficient to determine the role of this variant in disease. Therefore, it has been classified as a Variant of Uncertain Significance.

NM_001114753.3(ENG):c.-170C>T

Gene: ENG (endoglin; minus strand). Cytogenetic location: 9q34.11.
Variant type: single nucleotide variant.
Coding change: c.-170C>T on transcript NM_001114753.3 (MANE Select); 170 bases upstream of the start codon, C replaced by T.
Molecular consequence: 5 prime UTR variant.
Genome position (GRCh38, 1-based): chr9:127,854,525, G>A on the plus strand (C>T on the coding strand, the complement: ENG is on the minus strand). VCF-style: chr9-127854525-G-A. GRCh37 (hg19) VCF-style: chr9-130616804-G-A.
Other names: c.-170C>T (NM_000118.4, NM_001406715.1).
Identifiers: ClinVar variation 3705091 (VCV003705091.2).
Genomic context (GRCh38, chr9:127,854,525, plus strand): 5'-GCGGCCGGAGCGACGGCGTCCCTGCTCCAGCCTTCTGGGGTGGCGGCCGAGGGGTCAGGA[G>A]AAGTGGACACAGGGACGCGGGGCTGGGCTGGAGTTGCTGTCCGAAGGATGGGCGGGGAGG-3'